The following is an entry in ClinVar:

ClinVar aggregate classification (germline): Uncertain significance (1 of 4 stars; one submission).

Conditions:
Bethlem myopathy 1A. Also called: MYOPATHY, BENIGN CONGENITAL, WITH CONTRACTURES; Bethlem Muscular Dystrophy; Bethlem myopathy 1. Identifiers: Orphanet 610, MedGen CN029274, MONDO:0024530, OMIM 158810.

Submission:

Labcorp Genetics (formerly Invitae), Labcorp
Classification: Uncertain significance for Bethlem myopathy 1A. Last evaluated: 2025-02-02. Review status: criteria provided, single submitter. Criteria: Invitae Variant Classification Sherloc (09022015). Collection method: clinical testing. Allele origin: germline.
Comment: This sequence change falls in intron 33 of the COL6A1 gene. It does not directly change the encoded amino acid sequence of the COL6A1 protein. This variant is not present in population databases (gnomAD no frequency). This variant has not been reported in the literature in individuals affected with COL6A1-related conditions. ClinVar contains an entry for this variant (Variation ID: 1350158). In summary, the available evidence is currently insufficient to determine the role of this variant in disease. Therefore, it has been classified as a Variant of Uncertain Significance.

NM_001848.3(COL6A1):c.2434+14_2434+15insGCCCGAGCAGTCCCAGATCTGCATAGGTGCGCATGGGGCC

Gene: COL6A1 (collagen type VI alpha 1 chain; plus strand). Cytogenetic location: 21q22.3.
Variant type: Insertion.
Coding change: c.2434+14_2434+15insGCCCGAGCAGTCCCAGATCTGCATAGGTGCGCATGGGGCC on transcript NM_001848.3 (MANE Select); bases 14 to 15 of the intron after coding-DNA position 2434, GCCCGAGCAGTCCCAGATCTGCATAGGTGCGCATGGGGCC inserted.
Molecular consequence: splice donor variant.
Genome position: GRCh38: chr21:46,002,724-46,002,725. GRCh37 (hg19): chr21:47,422,638-47,422,639.
Identifiers: ClinVar variation 1350158 (VCV001350158.8), dbSNP rs2123491106, ClinGen allele CA2573157640.